The following is an entry in ClinVar:

NM_017662.5(TRPM6):c.3665T>A (p.Leu1222Gln)

Gene: TRPM6 (transient receptor potential cation channel subfamily M member 6; minus strand). Cytogenetic location: 9q21.13.
Variant type: single nucleotide variant.
Coding change: c.3665T>A on transcript NM_017662.5 (MANE Select); coding-DNA position 3665, T replaced by A.
Protein change: p.Leu1222Gln; replaces leucine 1222 with glutamine.
Molecular consequence: missense variant.
Genome position (GRCh38, 1-based): chr9:74,763,006, A>T on the plus strand (T>A on the coding strand, the complement: TRPM6 is on the minus strand). VCF-style: chr9-74763006-A-T. GRCh37 (hg19) VCF-style: chr9-77377922-A-T.
Other names: c.3650T>A, p.Leu1217Gln (NM_001177310.2, NM_001177311.2); short protein forms L1217Q, L1222Q.
Identifiers: ClinVar variation 3377881 (VCV003377881.1).
Genomic context (GRCh38, chr9:74,763,006, plus strand): 5'-TTTCTCTTGGCCAGGAGAGCCTCATCCTCTTGCAAAGTGTCAACAGCAGAAAGGACTTTC[A>T]GGGTATCCACAGTCAGGGCAGAGAGATCCTGCAGGTGTCCCACCTGGCTGTCCAAAGACA-3'
Protein context (NP_060132.3, residues 1212-1232): QDLSALTVDT[Leu1222Gln]KVLSAVDTLQ

ClinVar aggregate classification (germline): Uncertain significance (1 of 4 stars; one submission).

Submission:

GeneDx
Classification: Uncertain significance. Last evaluated: 2024-05-17. Review status: criteria provided, single submitter. Criteria: GeneDx Variant Classification Process June 2021. Collection method: clinical testing. Allele origin: germline. Affected: yes.
Comment: Not observed at significant frequency in large population cohorts (gnomAD); In silico analysis supports that this missense variant has a deleterious effect on protein structure/function; Has not been previously published as pathogenic or benign to our knowledge